The following is an entry in ClinVar:

NM_002439.5(MSH3):c.2253+9A>C

Gene: MSH3 (mutS homolog 3; plus strand). Cytogenetic location: 5q14.1.
Variant type: single nucleotide variant.
Coding change: c.2253+9A>C on transcript NM_002439.5 (MANE Select); 9 bases into the intron after coding-DNA position 2253, A replaced by C.
Molecular consequence: intron variant.
Genome position (GRCh38, 1-based): chr5:80,769,012, A>C. VCF-style: chr5-80769012-A-C. GRCh37 (hg19) VCF-style: chr5-80064831-A-C.
Identifiers: ClinVar variation 796388 (VCV000796388.11), dbSNP rs1580035130, ClinGen allele CA915943404.

ClinVar aggregate classification (germline): Conflicting classifications of pathogenicity. Review status: criteria provided, conflicting classifications (1 of 4 stars). 2 submissions from 2 submitters: Uncertain significance (1); Likely benign (1). Last evaluated 2024-12-05.

Allele frequency attached by ClinVar (database versions not stated): gnomAD exomes below 0.00001.
gnomAD v4.1: 1 of 1,610,600 alleles (0.000062%); highest among the groups gnomAD compares: Admixed American, 0.0017%; no homozygotes.

Submissions (2):

Labcorp Genetics (formerly Invitae), Labcorp
Classification: Likely benign. Last evaluated: 2024-12-05. Review status: criteria provided, single submitter. Criteria: Invitae Variant Classification Sherloc (09022015). Collection method: clinical testing. Allele origin: germline.

Quest Diagnostics Nichols Institute San Juan Capistrano
Classification: Uncertain significance. Last evaluated: 2024-01-17. Review status: criteria provided, single submitter. Criteria: Quest Diagnostics criteria. Collection method: clinical testing. Allele origin: unknown.
Comment: The MSH3 c.2253+9A>C variant has not been reported in individuals with MSH3-related conditions in the published literature. It also has not been reported in large, multi-ethnic general populations (Genome Aggregation Database). Analysis of this variant using software algorithms for the prediction of the effect of nucleotide changes on splicing yielded predictions that this variant does not affect MSH3 mRNA splicing. Based on the available information, we are unable to determine the clinical significance of this variant.